The following is an entry in ClinVar:

NM_000094.4(COL7A1):c.2794G>A (p.Val932Met)

Gene: COL7A1 (collagen type VII alpha 1 chain; minus strand). Cytogenetic location: 3p21.31.
Variant type: single nucleotide variant.
Coding change: c.2794G>A on transcript NM_000094.4 (MANE Select); coding-DNA position 2794, G replaced by A.
Protein change: p.Val932Met; replaces valine 932 with methionine.
Molecular consequence: missense variant.
Genome position (GRCh38, 1-based): chr3:48,587,856, C>T on the plus strand (G>A on the coding strand, the complement: COL7A1 is on the minus strand). VCF-style: chr3-48587856-C-T. GRCh37 (hg19) VCF-style: chr3-48625289-C-T.
Other names: short protein forms V932M.
Identifiers: ClinVar variation 2428456 (VCV002428456.7), dbSNP rs761239910, ClinGen allele CA2380747.

ClinVar aggregate classification (germline): Likely benign. Review status: criteria provided, single submitter (1 of 4 stars). 2 submissions from 2 submitters: Likely benign (1). 1 of the submissions does not count toward it. Last evaluated 2024-02-28.

Conditions:
COL7A1-related disorder. Also called: COL7A1- related disorders; COL7A1-related condition.

Allele frequency attached by ClinVar (database versions not stated): gnomAD 0.00003.
gnomAD v4.1: 37 of 1,613,102 alleles (0.0023%); highest among the groups gnomAD compares: Admixed American, 0.0067%; no homozygotes.

Submissions (2):

Labcorp Genetics (formerly Invitae), Labcorp
Classification: Likely benign. Last evaluated: 2024-02-28. Review status: criteria provided, single submitter. Criteria: Invitae Variant Classification Sherloc (09022015). Collection method: clinical testing. Allele origin: germline.

PreventionGenetics, part of Exact Sciences
Classification: Uncertain significance for COL7A1-related condition. Last evaluated: 2024-08-27. Review status: no assertion criteria provided. Collection method: clinical testing. Allele origin: germline. Not counted in ClinVar's aggregate classification.
Comment: The COL7A1 c.2794G>A variant is predicted to result in the amino acid substitution p.Val932Met. To our knowledge, this variant has not been reported in the literature. This variant is reported in 0.0085% of alleles in individuals of Latino descent in gnomAD. At this time, the clinical significance of this variant is uncertain due to the absence of conclusive functional and genetic evidence.